The following is an entry in ClinVar:

NM_001371279.1(REEP1):c.519G>A (p.Pro173=)

Gene: REEP1 (receptor accessory protein 1; minus strand). Cytogenetic location: 2p11.2.
Variant type: single nucleotide variant.
Coding change: c.519G>A on transcript NM_001371279.1 (MANE Select); coding-DNA position 519, G replaced by A.
Protein change: p.Pro173=; no amino-acid change (proline 173 retained).
Molecular consequence: synonymous variant. On other transcripts: intron variant (1), missense variant (1).
Genome position (GRCh38, 1-based): chr2:86,232,701, C>T on the plus strand (G>A on the coding strand, the complement: REEP1 is on the minus strand). VCF-style: chr2-86232701-C-T. GRCh37 (hg19) VCF-style: chr2-86459824-C-T.
Other names: c.418-15591G>A (NM_001371280.1); c.284G>A (NM_001164732.1); c.540G>A, p.Pro180= (NM_001164730.2); c.438G>A, p.Pro146= (NM_001164731.2); c.284G>A, p.Arg95Gln (NM_001164732.2); c.519G>A, p.Pro173= (NM_022912.3); short protein forms R95Q.
Identifiers: ClinVar variation 1155245 (VCV001155245.13), dbSNP rs376647453, ClinGen allele CA1748694.
Genomic context (GRCh38, chr2:86,232,701, plus strand): 5'-CTCAGAAGCACTCCTGGACATCTTAGGCTGGCCGTGTTTGCCGCTGGCCCGCCCAGACCC[C>T]GGTGGTGGGGGGCCCGAGGGAGCAGGGGCGCCGTCTCCCCTGATGGTGGTGAGGTCCTGC-3'
Protein context (NP_001358208.1, residues 163-183): GAPAPSGPPP[Pro173=]GSGRASGKHG

ClinVar aggregate classification (germline): Benign/Likely benign. Review status: criteria provided, multiple submitters, no conflicts (2 of 4 stars). 3 submissions from 3 submitters: Benign (1); Likely benign (1). 1 of the submissions does not count toward it. Last evaluated 2025-11-10.

Conditions:
Hereditary spastic paraplegia 31. Also called: SPASTIC PARAPLEGIA 31, AUTOSOMAL DOMINANT. Identifiers: Orphanet 101011, MedGen C1853247, MONDO:0012453, OMIM 610250.
Inborn genetic diseases. Identifiers: MedGen C0950123, MeSH D030342.
REEP1-related disorder. Also called: REEP1-related condition.

Allele frequency attached by ClinVar (database versions not stated): gnomAD exomes 0.00006; ExAC 0.00008; 1000 Genomes Project 30x 0.00016; gnomAD 0.00016 and 0.00018; TOPMed 0.00016; 1000 Genomes Project 0.00020; ESP Exome Variant Server 0.00023.
gnomAD v4.1: 75 of 1,611,520 alleles (0.0047%); highest among the groups gnomAD compares: African/African-American, 0.069%; no homozygotes.

Submissions (3):

Labcorp Genetics (formerly Invitae), Labcorp
Classification: Likely benign for Hereditary spastic paraplegia 31. Last evaluated: 2025-11-10. Review status: criteria provided, single submitter. Criteria: Invitae Variant Classification Sherloc (09022015). Collection method: clinical testing. Allele origin: germline.

Ambry Genetics
Classification: Benign for Inborn genetic diseases. Last evaluated: 2022-07-11. Review status: criteria provided, single submitter. Criteria: Ambry Variant Classification Scheme 2023. Collection method: clinical testing. Allele origin: germline.

PreventionGenetics, part of Exact Sciences
Classification: Likely benign for REEP1-related condition. Last evaluated: 2022-11-23. Review status: no assertion criteria provided. Collection method: clinical testing. Allele origin: germline. Not counted in ClinVar's aggregate classification.
Comment: This variant is classified as likely benign based on ACMG/AMP sequence variant interpretation guidelines (Richards et al. 2015 PMID: 25741868, with internal and published modifications).